The following is an entry in ClinVar:

ClinVar aggregate classification (germline): Likely pathogenic (1 of 4 stars; one submission).

Conditions:
Autosomal dominant polycystic kidney disease. Identifiers: Orphanet 730, MedGen C0085413, MONDO:0004691.

Submission:

Human Genetics Bochum, Ruhr University Bochum
Classification: Likely pathogenic for Autosomal dominant polycystic kidney disease. Last evaluated: 2022-06-21. Review status: criteria provided, single submitter. Criteria: ACMG Guidelines, 2015. Collection method: clinical testing. Allele origin: germline. Affected: yes.
Comment: ACMG criteria used to clasify this variant: PVS1, PM2_SUP

NM_001009944.3(PKD1):c.471_478dup (p.Ser160fs)

Gene: PKD1 (polycystin 1, transient receptor potential channel interacting; minus strand). Cytogenetic location: 16p13.3.
Variant type: Duplication.
Coding change: c.471_478dup on transcript NM_001009944.3 (MANE Select); coding-DNA positions 471 to 478, 8 bases duplicated (GCCTGGCT; older notation c.471_478dupGCCTGGCT).
Protein change: p.Ser160fs; shifts the reading frame from serine 160.
Molecular consequence: frameshift variant.
Genome position (GRCh38, 1-based): chr16:2,118,727-2,118,734, AGCCAGGC duplicated on the plus strand (GCCTGGCT on the coding strand, the reverse complement: PKD1 is on the minus strand). VCF-style (leftmost placement, unchanged base first): chr16-2118726-G-GAGCCAGGC. GRCh37 (hg19) VCF-style: chr16-2168727-G-GAGCCAGGC.
Other names: c.471_478dup, p.Ser160fs (NM_000296.4); short protein forms S160fs.
Identifiers: ClinVar variation 1801707 (VCV001801707.1), dbSNP rs2544882902, ClinGen allele CA2580090934.
Genomic context (GRCh38, chr16:2,118,726, plus strand): 5'-CGGCACTCACCACAGCCACTGTCCAGCAAGGGGATGCCAAGCAGAGGCTGGCCAGCCAGG[G>GAGCCAGGC]AGCCAGGCCCAGCACACGTGGCTGCCTCGGGCTGCACCACCCGCACCTGCTGCTCCTCCG-3'